The following is an entry in ClinVar:

NM_012424.6(RPS6KC1):c.1454A>T (p.Asn485Ile)

Gene: RPS6KC1 (ribosomal protein S6 kinase C1; plus strand). Cytogenetic location: 1q32.3.
Variant type: single nucleotide variant.
Coding change: c.1454A>T on transcript NM_012424.6 (MANE Select); coding-DNA position 1454, A replaced by T.
Protein change: p.Asn485Ile; replaces asparagine 485 with isoleucine.
Molecular consequence: missense variant. On other transcripts: non-coding transcript variant (4).
Genome position (GRCh38, 1-based): chr1:213,240,930, A>T. VCF-style: chr1-213240930-A-T. GRCh37 (hg19) VCF-style: chr1-213414273-A-T.
Other names: c.1418A>T, p.Asn473Ile (NM_001136138.4); c.818A>T, p.Asn273Ile (NM_001287218.3, NM_001287219.3, NM_001349654.2); c.59A>T, p.Asn20Ile (NM_001287220.3, NM_001349670.2, NM_001349671.2 and 8 more transcripts); c.911A>T, p.Asn304Ile (NM_001287221.3, NM_001349648.2, NM_001349649.2 and 4 more transcripts); c.1361A>T, p.Asn454Ile (NM_001349646.2); c.1091A>T, p.Asn364Ile (NM_001349647.2); c.563A>T, p.Asn188Ile (NM_001349657.2, NM_001349658.2); c.398A>T, p.Asn133Ile (NM_001349659.2, NM_001349660.2, NM_001349661.2 and 1 more transcripts); short protein forms N273I, N473I, N188I, N20I, N454I, N485I, N133I, N304I.
Identifiers: ClinVar variation 3680517 (VCV003680517.2).

ClinVar aggregate classification (germline): Uncertain significance (1 of 4 stars; one submission).

gnomAD v4.1: 2 of 1,613,780 alleles (0.00012%); highest among the groups gnomAD compares: Non-Finnish European, 0.00017%; no homozygotes.

Submission:

Labcorp Genetics (formerly Invitae), Labcorp
Classification: Uncertain significance. Last evaluated: 2024-06-03. Review status: criteria provided, single submitter. Criteria: Invitae Variant Classification Sherloc (09022015). Collection method: clinical testing. Allele origin: germline.
Comment: This sequence change replaces asparagine, which is neutral and polar, with isoleucine, which is neutral and non-polar, at codon 485 of the RPS6KC1 protein (p.Asn485Ile). This variant is present in population databases (no rsID available, gnomAD 0.007%). This variant has not been reported in the literature in individuals affected with RPS6KC1-related conditions. Algorithms developed to predict the effect of missense changes on protein structure and function output the following: SIFT: "Not Available"; PolyPhen-2: "Benign"; Align-GVGD: "Not Available". The isoleucine amino acid residue is found in multiple mammalian species, which suggests that this missense change does not adversely affect protein function. In summary, the available evidence is currently insufficient to determine the role of this variant in disease. Therefore, it has been classified as a Variant of Uncertain Significance.